The following is an entry in ClinVar:

NM_004364.5(CEBPA):c.529G>A (p.Gly177Ser)

Gene: CEBPA (CCAAT enhancer binding protein alpha; minus strand). Cytogenetic location: 19q13.11.
Variant type: single nucleotide variant.
Coding change: c.529G>A on transcript NM_004364.5 (MANE Select); coding-DNA position 529, G replaced by A.
Protein change: p.Gly177Ser; replaces glycine 177 with serine.
Molecular consequence: missense variant.
Genome position (GRCh38, 1-based): chr19:33,301,886, C>T on the plus strand (G>A on the coding strand, the complement: CEBPA is on the minus strand). VCF-style: chr19-33301886-C-T. GRCh37 (hg19) VCF-style: chr19-33792792-C-T.
Other names: c.172G>A, p.Gly58Ser (NM_001285829.2); c.634G>A, p.Gly212Ser (NM_001287424.2); c.487G>A, p.Gly163Ser (NM_001287435.2); short protein forms G58S, G163S, G177S, G212S.
Identifiers: ClinVar variation 2168231 (VCV002168231.4), dbSNP rs1223584541, ClinGen allele CA405274758.

ClinVar aggregate classification (germline): Uncertain significance (1 of 4 stars; one submission).

Conditions:
Acute myeloid leukemia (AML). Also called: Acute myeloid leukemia, adult; AML adult; Acute non-lymphocytic leukemia; Acute granulocytic leukemia; Leukemia, acute myeloid, somatic; Leukemia, acute myelogenous, somatic. Identifiers: Orphanet 519, MedGen C0023467, MeSH D015470, MONDO:0018874, OMIM 601626, HP:0004808. Disease mechanism: Constitutively activated FLT3.

Submission:

Labcorp Genetics (formerly Invitae), Labcorp
Classification: Uncertain significance for Acute myeloid leukemia. Last evaluated: 2024-03-06. Review status: criteria provided, single submitter. Criteria: Invitae Variant Classification Sherloc (09022015). Collection method: clinical testing. Allele origin: germline.
Comment: This sequence change replaces glycine, which is neutral and non-polar, with serine, which is neutral and polar, at codon 177 of the CEBPA protein (p.Gly177Ser). This variant is not present in population databases (gnomAD no frequency). This variant has not been reported in the literature in individuals affected with CEBPA-related conditions. ClinVar contains an entry for this variant (Variation ID: 2168231). Advanced modeling of protein sequence and biophysical properties (such as structural, functional, and spatial information, amino acid conservation, physicochemical variation, residue mobility, and thermodynamic stability) performed at Invitae indicates that this missense variant is not expected to disrupt CEBPA protein function with a negative predictive value of 80%. In summary, the available evidence is currently insufficient to determine the role of this variant in disease. Therefore, it has been classified as a Variant of Uncertain Significance.